The following is an entry in ClinVar:

NM_022489.4(INF2):c.982G>A (p.Asp328Asn)

Gene: INF2 (inverted formin 2; plus strand). Cytogenetic location: 14q32.33.
Variant type: single nucleotide variant.
Coding change: c.982G>A on transcript NM_022489.4 (MANE Select); coding-DNA position 982, G replaced by A.
Protein change: p.Asp328Asn; replaces aspartic acid 328 with asparagine.
Molecular consequence: missense variant. On other transcripts: non-coding transcript variant (1).
Genome position (GRCh38, 1-based): chr14:104,707,048, G>A. VCF-style: chr14-104707048-G-A. GRCh37 (hg19) VCF-style: chr14-105173385-G-A.
Other names: c.982G>A, p.Asp328Asn (NM_001031714.4, NM_001426862.1, NM_001426863.1 and 2 more transcripts); short protein forms D328N.
Identifiers: ClinVar variation 3752750 (VCV003752750.2).

ClinVar aggregate classification (germline): Uncertain significance (1 of 4 stars; one submission).

Conditions:
Focal segmental glomerulosclerosis 5 (FSGS5). Identifiers: Orphanet 656, MedGen C2750475, MONDO:0013191, OMIM 613237.
Charcot-Marie-Tooth disease dominant intermediate E. Also called: CHARCOT-MARIE-TOOTH NEUROPATHY WITH FOCAL SEGMENTAL GLOMERULONEPHRITIS. Identifiers: Orphanet 93114, MedGen C4302667, MONDO:0013758, OMIM 614455.

gnomAD v4.1: 7 of 1,577,792 alleles (0.00044%); highest among the groups gnomAD compares: East Asian, 0.0046%; no homozygotes.

Submission:

Labcorp Genetics (formerly Invitae), Labcorp
Classification: Uncertain significance for Charcot-Marie-Tooth disease dominant intermediate E; Focal segmental glomerulosclerosis 5. Last evaluated: 2024-10-27. Review status: criteria provided, single submitter. Criteria: Invitae Variant Classification Sherloc (09022015). Collection method: clinical testing. Allele origin: germline.
Comment: This sequence change replaces aspartic acid, which is acidic and polar, with asparagine, which is neutral and polar, at codon 328 of the INF2 protein (p.Asp328Asn). The frequency data for this variant in the population databases is considered unreliable, as metrics indicate poor data quality at this position in the gnomAD database. This variant has not been reported in the literature in individuals affected with INF2-related conditions. Invitae Evidence Modeling of protein sequence and biophysical properties (such as structural, functional, and spatial information, amino acid conservation, physicochemical variation, residue mobility, and thermodynamic stability) has been performed for this missense variant. However, the output from this modeling did not meet the statistical confidence thresholds required to predict the impact of this variant on INF2 protein function. In summary, the available evidence is currently insufficient to determine the role of this variant in disease. Therefore, it has been classified as a Variant of Uncertain Significance.